The following is an entry in ClinVar:

ClinVar aggregate classification (germline): Pathogenic (1 of 4 stars; one submission).

Conditions:
Hereditary cancer-predisposing syndrome. Also called: Tumor predisposition; Hereditary Cancer Syndrome; Neoplastic Syndromes, Hereditary; Hereditary neoplastic syndrome. Identifiers: Orphanet 140162, MedGen C0027672, MeSH D009386, MONDO:0015356.

Submission:

Ambry Genetics
Classification: Pathogenic for Hereditary cancer-predisposing syndrome. Last evaluated: 2022-04-06. Review status: criteria provided, single submitter. Criteria: Ambry Variant Classification Scheme 2023. Collection method: clinical testing. Allele origin: germline.
Comment: The c.2582delT pathogenic mutation, located in coding exon 6 of the PALB2 gene, results from a deletion of one nucleotide at nucleotide position 2582, causing a translational frameshift with a predicted alternate stop codon (p.L861*). This variant is considered to be rare based on population cohorts in the Genome Aggregation Database (gnomAD). This alteration is expected to result in loss of function by premature protein truncation or nonsense-mediated mRNA decay. As such, this alteration is interpreted as a disease-causing mutation.

NM_024675.4(PALB2):c.2582del (p.Glu860_Leu861insTer)

Gene: PALB2 (partner and localizer of BRCA2; minus strand). Cytogenetic location: 16p12.2.
Variant type: Deletion.
Coding change: c.2582del on transcript NM_024675.4 (MANE Select); coding-DNA position 2582, one base deleted (T; older notation c.2582delT).
Protein change: p.Glu860_Leu861insTer.
Molecular consequence: nonsense. On other transcripts: frameshift variant (18).
Genome position (GRCh38, 1-based): chr16:23,629,208, A deleted on the plus strand (T on the coding strand, the reverse complement: PALB2 is on the minus strand); the first of 2 consecutive A bases (chr16:23,629,208-23,629,209); deleting either gives the same sequence. VCF-style (leftmost placement, unchanged base first): chr16-23629207-TA-T. GRCh37 (hg19) VCF-style: chr16-23640528-TA-T.
Other names: c.2521delT, p.Leu841Terfs (NM_001407296.1); c.2581delT, p.Leu861Terfs (NM_001407298.1, NM_001407299.1, NM_001407300.1 and 2 more transcripts); c.1696delT, p.Leu566Terfs (NM_001407304.1, NM_001407305.1, NM_001407306.1 and 5 more transcripts); c.793delT, p.Leu265Terfs (NM_001407312.1, NM_001407313.1); c.115delT, p.Leu39Terfs (NM_001407314.1); c.2582delT (NM_024675.3).
Identifiers: ClinVar variation 1793394 (VCV001793394.2), dbSNP rs2506395456, ClinGen allele CA2580091296.